The following is an entry in ClinVar:

NM_006648.4(WNK2):c.2272C>T (p.His758Tyr)

Gene: WNK2 (WNK lysine deficient protein kinase 2; plus strand). Cytogenetic location: 9q22.31.
Variant type: single nucleotide variant.
Coding change: c.2272C>T on transcript NM_006648.4 (MANE Select); coding-DNA position 2272, C replaced by T.
Protein change: p.His758Tyr; replaces histidine 758 with tyrosine.
Molecular consequence: missense variant.
Genome position (GRCh38, 1-based): chr9:93,257,029, C>T. VCF-style: chr9-93257029-C-T. GRCh37 (hg19) VCF-style: chr9-96019311-C-T.
Other names: c.2272C>T, p.His758Tyr (NM_001282394.3); short protein forms H758Y.
Identifiers: ClinVar variation 3816851 (VCV003816851.1).

ClinVar aggregate classification (germline): Uncertain significance (1 of 4 stars; one submission).

gnomAD v4.1: 12 of 1,604,430 alleles (0.00075%); highest among the groups gnomAD compares: East Asian, 0.0022%; no homozygotes.

Submission:

Ambry Genetics
Classification: Uncertain significance. Last evaluated: 2025-01-16. Review status: criteria provided, single submitter. Criteria: Ambry Variant Classification Scheme 2023. Collection method: clinical testing. Allele origin: germline.
Comment: The p.H758Y variant (also known as c.2272C>T), located in coding exon 10 of the WNK2 gene, results from a C to T substitution at nucleotide position 2272. The histidine at codon 758 is replaced by tyrosine, an amino acid with similar properties. This amino acid position is conserved. In addition, this alteration is predicted to be tolerated by in silico analysis. Based on the available evidence, the clinical significance of this variant remains unclear.